The following is an entry in ClinVar:

ClinVar aggregate classification (germline): Uncertain significance (1 of 4 stars; one submission).

Submission:

Labcorp Genetics (formerly Invitae), Labcorp
Classification: Uncertain significance. Last evaluated: 2025-12-03. Review status: criteria provided, single submitter. Criteria: Invitae Variant Classification Sherloc (09022015). Collection method: clinical testing. Allele origin: germline.
Comment: This sequence change replaces alanine, which is neutral and non-polar, with valine, which is neutral and non-polar, at codon 550 of the DEAF1 protein (p.Ala550Val). This variant is not present in population databases (gnomAD no frequency). This variant has not been reported in the literature in individuals affected with DEAF1-related conditions. Invitae Evidence Modeling of protein sequence and biophysical properties (such as structural, functional, and spatial information, amino acid conservation, physicochemical variation, residue mobility, and thermodynamic stability) indicates that this missense variant is not expected to disrupt DEAF1 protein function with a negative predictive value of 80%. In summary, the available evidence is currently insufficient to determine the role of this variant in disease. Therefore, it has been classified as a Variant of Uncertain Significance.

NM_021008.4(DEAF1):c.1649C>T (p.Ala550Val)

Gene: DEAF1 (DEAF1 transcription factor; minus strand). Cytogenetic location: 11p15.5.
Variant type: single nucleotide variant.
Coding change: c.1649C>T on transcript NM_021008.4 (MANE Select); coding-DNA position 1649, C replaced by T.
Protein change: p.Ala550Val; replaces alanine 550 with valine.
Molecular consequence: missense variant.
Genome position (GRCh38, 1-based): chr11:644,599, G>A on the plus strand (C>T on the coding strand, the complement: DEAF1 is on the minus strand). VCF-style: chr11-644599-G-A. GRCh37 (hg19) VCF-style: chr11-644599-G-A.
Other names: c.1424C>T, p.Ala475Val (NM_001293634.2); c.923C>T, p.Ala308Val (NM_001367390.1, NM_001440885.1, NM_001440886.1 and 1 more transcripts); c.1559C>T, p.Ala520Val (NM_001440883.1); c.1520C>T, p.Ala507Val (NM_001440884.1); short protein forms A308V, A475V, A507V, A520V, A550V.
Identifiers: ClinVar variation 4810984 (VCV004810984.1).